The following is an entry in ClinVar:

NM_001360016.2(G6PD):c.1118T>C (p.Phe373Ser)

Gene: G6PD (glucose-6-phosphate dehydrogenase; minus strand). Cytogenetic location: Xq28.
Variant type: single nucleotide variant.
Coding change: c.1118T>C on transcript NM_001360016.2 (MANE Select); coding-DNA position 1118, T replaced by C.
Protein change: p.Phe373Ser; replaces phenylalanine 373 with serine.
Molecular consequence: missense variant.
Genome position (GRCh38, 1-based): chrX:154,532,736, A>G on the plus strand (T>C on the coding strand, the complement: G6PD is on the minus strand). VCF-style: chrX-154532736-A-G. GRCh37 (hg19) VCF-style: chrX-153760951-A-G.
Other names: c.1208T>C, p.Phe403Ser (NM_000402.4); c.1118T>C, p.Phe373Ser (NM_001042351.3); short protein forms F373S, F403S.
Identifiers: ClinVar variation 1722667 (VCV001722667.2), dbSNP rs2523262948, ClinGen allele CA415234190.
Genomic context (GRCh38, chrX:154,532,736, plus strand): 5'-CGGATCACCAGCTCGTTGCGCTTGCACTGCTGGTGGAAGATGTCGCCGGCCACATCATGG[A>G]ACTGCAGCCTCACCTCGGCCTTGCGCTCGTTCAGGGCCTTGCCGCAGCGCAGGATGAAGG-3'
Protein context (NP_001346945.1, residues 363-383): NERKAEVRLQ[Phe373Ser]HDVAGDIFHQ

ClinVar aggregate classification (germline): Pathogenic (1 of 4 stars; one submission).

Conditions:
Anemia, nonspherocytic hemolytic, due to G6PD deficiency (CNSHA1). Also called: Hemolytic anemia due to G6PD deficiency; Class I glucose-6-phosphate dehydrogenase deficiency; Favism, susceptibility to; ANEMIA, CONGENITAL, NONSPHEROCYTIC HEMOLYTIC, 1. Identifiers: Orphanet 466026, MedGen C2720289, MONDO:0010480, OMIM 300908.

Submission:

Dunham Lab, University of Washington
Classification: Pathogenic for Anemia, nonspherocytic hemolytic, due to G6PD deficiency. Last evaluated: 2022-08-12. Review status: criteria provided, single submitter. Criteria: Bayesian ACMG Guidelines, 2018. Collection method: curation. Allele origin: inherited. Affected: yes.
Comment: Variant found in unrelated hemizygotes with deficiency, CNSHA, and jaundice (PS4_M, PP4). Segregates in multiple families: hemizygotes have severe deficiency, and heterozygotes have slightly dereased G6PD activity and CNSHA (PP1_M). Decreased activity in red blood cells (3-5%) (PS3). Predicted to be pathogenic or deleterious by several in silico tools (PP3). Not found in gnomAD (PM2). Post_P 0.999 (odds of pathogenicity 6568, Prior_P 0.1).

Literature cited by the submitters: PubMed 32680472.